The following is an entry in ClinVar:

NM_020408.6(LYRM4):c.106A>G (p.Ile36Val)

Genes: LYRM4 (LYR motif containing 4; minus strand), LYRM4-AS1 (LYRM4 antisense RNA 1; plus strand). Cytogenetic location: 6p25.1.
Variant type: single nucleotide variant.
Coding change: c.106A>G on transcript NM_020408.6 (MANE Select); coding-DNA position 106, A replaced by G.
Protein change: p.Ile36Val; replaces isoleucine 36 with valine.
Molecular consequence: missense variant. On other transcripts: non-coding transcript variant (2).
Genome position (GRCh38, 1-based): chr6:5,216,719, T>C on the plus strand (A>G on the coding strand, the complement: LYRM4 is on the minus strand). VCF-style: chr6-5216719-T-C. GRCh37 (hg19) VCF-style: chr6-5216952-T-C.
Other names: c.106A>G, p.Ile36Val (NM_001164840.3, NM_001164841.3, NM_001318782.1 and 1 more transcripts); c.106A>G (NM_001164840.1); short protein forms I36V.
Identifiers: ClinVar variation 3023959 (VCV003023959.5), dbSNP rs139300125, ClinGen allele CA3623511.

ClinVar aggregate classification (germline): Uncertain significance. Review status: criteria provided, multiple submitters, no conflicts (2 of 4 stars). 2 submissions from 2 submitters: Uncertain significance (2). Last evaluated 2025-06-16.

Allele frequency attached by ClinVar (database versions not stated): gnomAD 0.00001; TOPMed 0.00004; gnomAD exomes 0.00005; ExAC 0.00007; ESP Exome Variant Server 0.00008.
gnomAD v4.1: 77 of 1,613,276 alleles (0.0048%); highest among the groups gnomAD compares: Non-Finnish European, 0.0063%; 1 homozygote.

Submissions (3):

Ambry Genetics
Classification: Uncertain significance. Last evaluated: 2025-06-16. Review status: criteria provided, single submitter. Criteria: Ambry Variant Classification Scheme 2023. Collection method: clinical testing. Allele origin: germline.

Labcorp Genetics (formerly Invitae), Labcorp
Classification: Uncertain significance. Last evaluated: 2023-11-29. Review status: criteria provided, single submitter. Criteria: Invitae Variant Classification Sherloc (09022015). Collection method: clinical testing. Allele origin: germline.
Comment: This sequence change replaces isoleucine, which is neutral and non-polar, with valine, which is neutral and non-polar, at codon 36 of the LYRM4 protein (p.Ile36Val). This variant is present in population databases (rs139300125, gnomAD 0.009%). This variant has not been reported in the literature in individuals affected with LYRM4-related conditions. An algorithm developed to predict the effect of missense changes on protein structure and function (PolyPhen-2) suggests that this variant is likely to be disruptive. In summary, the available evidence is currently insufficient to determine the role of this variant in disease. Therefore, it has been classified as a Variant of Uncertain Significance.

Dr. Peter K. Rogan Lab, Western University
No classification provided (evidence only). Condition: Sarcoma. Review status: no classification provided. Collection method: in vitro. Allele origin: not applicable. Functional consequence: retained intron. Not counted in ClinVar's aggregate classification.